The following is an entry in ClinVar:

ClinVar aggregate classification (germline): Benign/Likely benign. Review status: criteria provided, multiple submitters, no conflicts (2 of 4 stars). 2 submissions from 2 submitters: Benign (1); Likely benign (1). Last evaluated 2024-03-14.

Conditions:
Hereditary cancer-predisposing syndrome. Also called: Neoplastic Syndromes, Hereditary; Tumor predisposition; Hereditary Cancer Syndrome; Hereditary neoplastic syndrome. Identifiers: Orphanet 140162, MedGen C0027672, MeSH D009386, MONDO:0015356.
Familial adenomatous polyposis 1 (FAP1). Also called: FAMILIAL ADENOMATOUS POLYPOSIS 1, ATTENUATED; POLYPOSIS, ADENOMATOUS INTESTINAL. Identifiers: MedGen C2713442, MONDO:0021056, OMIM 175100. Disease mechanism: loss of function.

Allele frequency attached by ClinVar (database versions not stated): gnomAD exomes below 0.00001.
gnomAD v4.1: 1 of 1,614,176 alleles (0.000062%); highest among the groups gnomAD compares: Non-Finnish European, 0.000085%; no homozygotes.

Submissions (2):

Myriad Genetics, Inc.
Classification: Benign for Familial adenomatous polyposis 1. Last evaluated: 2024-03-14. Review status: criteria provided, single submitter. Criteria: Myriad Autosomal Dominant, Autosomal Recessive and X-Linked Classification Criteria (2023). Collection method: clinical testing. Allele origin: unknown.
Comment: This variant is considered benign. This variant is a silent/synonymous amino acid change and it is not expected to impact splicing.

Color Diagnostics, LLC DBA Color Health
Classification: Likely benign for Hereditary cancer-predisposing syndrome. Last evaluated: 2019-05-02. Review status: criteria provided, single submitter. Criteria: ACMG Guidelines, 2015. Collection method: clinical testing. Allele origin: germline.

NM_000038.6(APC):c.2562A>G (p.Arg854=)

Gene: APC (APC regulator of Wnt signaling pathway; plus strand). Cytogenetic location: 5q22.2.
Variant type: single nucleotide variant.
Coding change: c.2562A>G on transcript NM_000038.6 (MANE Select); coding-DNA position 2562, A replaced by G.
Protein change: p.Arg854=; no amino-acid change (arginine 854 retained).
Molecular consequence: synonymous variant.
Genome position (GRCh38, 1-based): chr5:112,838,156, A>G. VCF-style: chr5-112838156-A-G. GRCh37 (hg19) VCF-style: chr5-112173853-A-G.
Other names: c.2562A>G, p.Arg854= (NM_001127510.3, NM_001354895.2); c.2508A>G, p.Arg836= (NM_001127511.3); c.2616A>G, p.Arg872= (NM_001354896.2); c.2592A>G, p.Arg864= (NM_001354897.2); c.2487A>G, p.Arg829= (NM_001354898.2); c.2478A>G, p.Arg826= (NM_001354899.2); c.2439A>G, p.Arg813= (NM_001354900.2); c.2385A>G, p.Arg795= (NM_001354901.2); and 5 more.
Identifiers: ClinVar variation 924333 (VCV000924333.3), dbSNP rs1765211338, ClinGen allele CA445962871.